The following is an entry in ClinVar:

NM_001367624.2(ZNF469):c.9999G>A (p.Lys3333=)

Genes: ZNF469 (zinc finger protein 469; plus strand), LOC130059719 (ATAC-STARR-seq lymphoblastoid silent region 7848; plus strand). Cytogenetic location: 16q24.2.
Variant type: single nucleotide variant.
Coding change: c.9999G>A on transcript NM_001367624.2 (MANE Select); coding-DNA position 9999, G replaced by A.
Protein change: p.Lys3333=; no amino-acid change (lysine 3333 retained).
Molecular consequence: synonymous variant.
Genome position (GRCh38, 1-based): chr16:88,437,469, G>A. VCF-style: chr16-88437469-G-A. GRCh37 (hg19) VCF-style: chr16-88503877-G-A.
Other names: NM_001127464.1:c.9915G>A; p.Lys3333=.
Identifiers: ClinVar variation 507623 (VCV000507623.32), dbSNP rs781724789, ClinGen allele CA8225467.

ClinVar aggregate classification (germline): Likely benign. Review status: criteria provided, multiple submitters, no conflicts (2 of 4 stars). 7 submissions from 7 submitters: Likely benign (7). Last evaluated 2026-05-01.

Conditions:
Cardiovascular phenotype. Identifiers: MedGen CN230736.

Allele frequency attached by ClinVar (database versions not stated): ExAC 0.00020; gnomAD exomes 0.00034 and 0.00062; gnomAD 0.00056; TOPMed 0.00063; 1000 Genomes Project 30x 0.00109.
gnomAD v4.1: 942 of 1,535,358 alleles (0.061%); highest among the groups gnomAD compares: Admixed American, 0.11%; no homozygotes.

Submissions (7):

CeGaT Center for Human Genetics Tuebingen
Classification: Likely benign. Last evaluated: 2026-05-01. Review status: criteria provided, single submitter. Criteria: CeGaT Center For Human Genetics Tuebingen Variant Classification Criteria Version 2. Collection method: clinical testing. Allele origin: germline. Affected: yes. Observed: 4 variant alleles.
Comment: ZNF469: BP4, BP7

Labcorp Genetics (formerly Invitae), Labcorp
Classification: Likely benign. Last evaluated: 2026-02-02. Review status: criteria provided, single submitter. Criteria: Invitae Variant Classification Sherloc (09022015). Collection method: clinical testing. Allele origin: germline.

Mayo Clinic Laboratories, Mayo Clinic
Classification: Likely benign. Last evaluated: 2025-07-31. Review status: criteria provided, single submitter. Criteria: ACMG Guidelines, 2015. Collection method: clinical testing. Allele origin: germline. Observed: 7 variant alleles.
Comment: BS1, BP4, BP7

Women's Health and Genetics/Laboratory Corporation of America, LabCorp
Classification: Likely benign. Last evaluated: 2025-04-07. Review status: criteria provided, single submitter. Criteria: LabCorp Variant Classification Summary - May 2015. Collection method: clinical testing. Allele origin: germline.

Blueprint Genetics
Classification: Likely benign. Last evaluated: 2024-11-15. Review status: criteria provided, single submitter. Criteria: ACMG Guidelines, 2015. Collection method: clinical testing. Allele origin: germline.

GeneDx
Classification: Likely benign. Last evaluated: 2021-10-02. Review status: criteria provided, single submitter. Criteria: GeneDx Variant Classification Process June 2021. Collection method: clinical testing. Allele origin: germline. Affected: yes.

Ambry Genetics
Classification: Likely benign for Cardiovascular phenotype. Last evaluated: 2020-11-18. Review status: criteria provided, single submitter. Criteria: Ambry Variant Classification Scheme 2023. Collection method: clinical testing. Allele origin: germline.